The following is an entry in ClinVar:

NM_004817.4(TJP2):c.2238A>C (p.Lys746Asn)

Gene: TJP2 (tight junction protein 2; plus strand). Cytogenetic location: 9q21.11.
Variant type: single nucleotide variant.
Coding change: c.2238A>C on transcript NM_004817.4 (MANE Select); coding-DNA position 2238, A replaced by C.
Protein change: p.Lys746Asn; replaces lysine 746 with asparagine.
Molecular consequence: missense variant.
Genome position (GRCh38, 1-based): chr9:69,237,936, A>C. VCF-style: chr9-69237936-A-C. GRCh37 (hg19) VCF-style: chr9-71852852-A-C.
Other names: c.2169A>C, p.Lys723Asn (NM_001170414.2, NM_001369871.1); c.2250A>C, p.Lys750Asn (NM_001170415.1, NM_001369874.1, NM_001369875.1); c.2331A>C, p.Lys777Asn (NM_001170416.2); c.2163A>C, p.Lys721Asn (NM_001369870.1); c.2238A>C, p.Lys746Asn (NM_001369872.1, NM_001369873.1, NM_201629.3); short protein forms K750N, K746N, K723N, K721N, K777N.
Identifiers: ClinVar variation 4987733 (VCV004987733.1).

ClinVar aggregate classification (germline): Uncertain significance (1 of 4 stars; one submission).

Conditions:
TJP2-related disorder. Also called: TJP2-related condition.

gnomAD v4.1: 1 of 1,613,872 alleles (0.000062%); highest among the groups gnomAD compares: Admixed American, 0.0017%; no homozygotes.

Submission:

PreventionGenetics, part of Exact Sciences
Classification: Uncertain significance for TJP2-related condition. Last evaluated: 2025-10-27. Review status: criteria provided, single submitter. Criteria: ACMG Guidelines, 2015. Collection method: clinical testing. Allele origin: germline.
Comment: The TJP2 c.2238A>C variant is predicted to result in the amino acid substitution p.Lys746Asn. To our knowledge, this variant has not been reported in the literature. This variant is reported in 0.0058% of alleles in individuals of Latino descent in gnomAD. At this time, the clinical significance of this variant is uncertain due to the absence of conclusive functional and genetic evidence.